The following is an entry in ClinVar:

NM_000142.5(FGFR3):c.1486A>G (p.Lys496Glu)

Gene: FGFR3 (fibroblast growth factor receptor 3; plus strand). Cytogenetic location: 4p16.3.
Variant type: single nucleotide variant.
Coding change: c.1486A>G on transcript NM_000142.5 (MANE Select); coding-DNA position 1486, A replaced by G.
Protein change: p.Lys496Glu; replaces lysine 496 with glutamic acid.
Molecular consequence: missense variant. On other transcripts: non-coding transcript variant (1).
Genome position (GRCh38, 1-based): chr4:1,805,428, A>G. VCF-style: chr4-1805428-A-G. GRCh37 (hg19) VCF-style: chr4-1807155-A-G.
Other names: c.1492A>G, p.Lys498Glu (NM_001163213.2); c.1489A>G, p.Lys497Glu (NM_001354809.2, NM_001354810.2); c.1150A>G, p.Lys384Glu (NM_022965.4); c.1486A>G (NM_000142.4); short protein forms K496E, K498E, K384E, K497E.
Identifiers: ClinVar variation 134411 (VCV000134411.6), dbSNP rs587778359, ClinGen allele CA159731.
Genomic context (GRCh38, chr4:1,805,428, plus strand): 5'-AAGCCCCTTGGGGAGGGCTGCTTCGGCCAGGTGGTCATGGCGGAGGCCATCGGCATTGAC[A>G]AGGACCGGGCCGCCAAGCCTGTCACCGTAGCCGTGAAGATGCTGAAAGGTGAGGAGGGGG-3'
Protein context (NP_000133.1, residues 486-506): VVMAEAIGID[Lys496Glu]DRAAKPVTVA

ClinVar aggregate classification (germline): Uncertain significance. Review status: criteria provided, multiple submitters, no conflicts (2 of 4 stars). 3 submissions from 3 submitters: Uncertain significance (2). 1 of the submissions does not count toward it. Last evaluated 2024-01-16.

Conditions:
Inborn genetic diseases. Identifiers: MedGen C0950123, MeSH D030342.

Allele frequency attached by ClinVar (database versions not stated): gnomAD 0.00001; gnomAD exomes 0.00001; ExAC 0.00002; TOPMed 0.00002.

Submissions (3):

Labcorp Genetics (formerly Invitae), Labcorp
Classification: Uncertain significance. Last evaluated: 2024-01-16. Review status: criteria provided, single submitter. Criteria: Invitae Variant Classification Sherloc (09022015). Collection method: clinical testing. Allele origin: germline.
Comment: This sequence change replaces lysine, which is basic and polar, with glutamic acid, which is acidic and polar, at codon 496 of the FGFR3 protein (p.Lys496Glu). This variant is present in population databases (rs587778359, gnomAD 0.007%). This variant has not been reported in the literature in individuals affected with FGFR3-related conditions. ClinVar contains an entry for this variant (Variation ID: 134411). Advanced modeling of protein sequence and biophysical properties (such as structural, functional, and spatial information, amino acid conservation, physicochemical variation, residue mobility, and thermodynamic stability) has been performed at Invitae for this missense variant, however the output from this modeling did not meet the statistical confidence thresholds required to predict the impact of this variant on FGFR3 protein function. In summary, the available evidence is currently insufficient to determine the role of this variant in disease. Therefore, it has been classified as a Variant of Uncertain Significance.

Ambry Genetics
Classification: Uncertain significance for Inborn genetic diseases. Last evaluated: 2021-09-23. Review status: criteria provided, single submitter. Criteria: Ambry Variant Classification Scheme 2023. Collection method: clinical testing. Allele origin: germline.

ITMI
No classification provided. Condition: AllHighlyPenetrant. Last evaluated: 2013-09-19. Review status: no classification provided. Collection method: reference population. Allele origin: germline. Not counted in ClinVar's aggregate classification.
Comment: Please see associated publication for description of ethnicities

Literature cited by the submitters: PubMed 24728327 (cited by ITMI).